The following is an entry in ClinVar:

ClinVar aggregate classification (germline): Pathogenic (1 of 4 stars; one submission).

Conditions:
Hereditary cancer-predisposing syndrome. Also called: Neoplastic Syndromes, Hereditary; Tumor predisposition; Hereditary Cancer Syndrome; Hereditary neoplastic syndrome. Identifiers: Orphanet 140162, MedGen C0027672, MeSH D009386, MONDO:0015356.

Submission:

Ambry Genetics
Classification: Pathogenic for Hereditary cancer-predisposing syndrome. Last evaluated: 2025-09-25. Review status: criteria provided, single submitter. Criteria: Ambry Variant Classification Scheme 2023. Collection method: clinical testing. Allele origin: germline.
Comment: The c.5473dupG pathogenic mutation, located in coding exon 10 of the BRCA2 gene, results from a duplication of G at nucleotide position 5473, causing a translational frameshift with a predicted alternate stop codon (p.A1825Gfs*4). This variant is considered to be rare based on population cohorts in the Genome Aggregation Database (gnomAD). This alteration is expected to result in loss of function by premature protein truncation or nonsense-mediated mRNA decay. As such, this alteration is interpreted as a disease-causing mutation.

NM_000059.4(BRCA2):c.5473dup (p.Ala1825fs)

Gene: BRCA2 (BRCA2 DNA repair associated; plus strand). Cytogenetic location: 13q13.1.
Variant type: Duplication.
Coding change: c.5473dup on transcript NM_000059.4 (MANE Select); coding-DNA position 5473, one base duplicated (G; older notation c.5473dupG).
Protein change: p.Ala1825fs; shifts the reading frame from alanine 1825.
Molecular consequence: frameshift variant. On other transcripts: non-coding transcript variant (1), intron variant (2).
Genome position (GRCh38, 1-based): chr13:32,339,828, G duplicated. VCF-style (leftmost placement, unchanged base first): chr13-32339827-T-TG. GRCh37 (hg19) VCF-style: chr13-32913964-T-TG.
Other names: c.5473dup, p.Ala1825fs (NM_001406719.1, NM_001406720.1, NM_001432077.1); c.1910-4730dup (NM_001406721.1); c.425-4730dup (NM_001406722.1); c.5473dupG (NM_000059.3); short protein forms A1825fs.
Identifiers: ClinVar variation 4628533 (VCV004628533.1).